The following is an entry in ClinVar:

NM_001142864.4(PIEZO1):c.6918C>A (p.Asn2306Lys)

Gene: PIEZO1 (piezo type mechanosensitive ion channel component 1 (Er blood group); minus strand). Cytogenetic location: 16q24.3.
Variant type: single nucleotide variant.
Coding change: c.6918C>A on transcript NM_001142864.4 (MANE Select); coding-DNA position 6918, C replaced by A.
Protein change: p.Asn2306Lys; replaces asparagine 2306 with lysine.
Molecular consequence: missense variant.
Genome position (GRCh38, 1-based): chr16:88,716,567, G>T on the plus strand (C>A on the coding strand, the complement: PIEZO1 is on the minus strand). VCF-style: chr16-88716567-G-T. GRCh37 (hg19) VCF-style: chr16-88782975-G-T.
Other names: short protein forms N2306K.
Identifiers: ClinVar variation 4538315 (VCV004538315.1).

ClinVar aggregate classification (germline): Uncertain significance (1 of 4 stars; one submission).

Submission:

Greenwood Genetic Center Diagnostic Laboratories, Greenwood Genetic Center
Classification: Uncertain significance. Last evaluated: 2025-06-16. Review status: criteria provided, single submitter. Criteria: ACMG Guidelines, 2015. Collection method: clinical testing. Allele origin: germline. Affected: yes.
Comment: PM2, BP4